The following is an entry in ClinVar:

NC_000012.11:g.(?_133233716)_(133263907_?)dup

Gene: POLE (DNA polymerase epsilon, catalytic subunit; minus strand). Cytogenetic location: 12q24.33.
Variant type: Duplication.
Identifiers: ClinVar variation 1042167 (VCV001042167.5).

ClinVar aggregate classification (germline): Uncertain significance (1 of 4 stars; one submission).

Submission:

Labcorp Genetics (formerly Invitae), Labcorp
Classification: Uncertain significance. Last evaluated: 2018-08-30. Review status: criteria provided, single submitter. Criteria: Invitae Variant Classification Sherloc (09022015). Collection method: clinical testing. Allele origin: germline.
Comment: In summary, this is a novel duplication with uncertain impact on protein function. It has been classified as a Variant of Uncertain Significance This variant is not present in population databases (ExAC no frequency) and has not been reported in the literature in individuals with a POLE-related disease. This variant is a gross duplication of the genomic region encompassing exons 1-29 of the POLE gene. The 5' end of this event is unknown as it extends beyond the assayed region for this gene and therefore may encompass additional genes. The 3' boundary is likely confined to intron 29 of the POLE gene.